The following is an entry in ClinVar:

NM_000129.4(F13A1):c.1860_1861delinsCT (p.Ala621Ser)

Gene: F13A1 (coagulation factor XIII A chain; minus strand). Cytogenetic location: 6p25.1.
Variant type: Indel.
Coding change: c.1860_1861delinsCT on transcript NM_000129.4 (MANE Select); coding-DNA positions 1860 to 1861, GG replaced by CT.
Protein change: p.Ala621Ser; replaces alanine 621 with serine.
Molecular consequence: missense variant.
Genome position (GRCh38, 1-based): chr6:6,167,505-6,167,506, CC replaced by AG on the plus strand (GG replaced by CT on the coding strand, the reverse complement: F13A1 is on the minus strand). VCF-style: chr6-6167505-CC-AG. GRCh37 (hg19) VCF-style: chr6-6167738-CC-AG.
Other names: short protein forms A621S.
Identifiers: ClinVar variation 2572140 (VCV002572140.2), dbSNP rs2480517458, ClinGen allele CA2580615103.
Genomic context (GRCh38, chr6:6,167,505, plus strand): 5'-CGCTAAGACTGACCTTGATGATGATCTCAGGGATGGTTAGCACGGTGGACTTTTGCTTGG[CC>AG]AGAACATCCCTGGTCTCATTGATGCGAGCTGTGACAAAGAAGTGCAGGGACGCTTGTTCC-3'
Protein context (NP_000120.2, residues 611-631): ARINETRDVL[Ala621Ser]KQKSTVLTIP

ClinVar aggregate classification (germline): Uncertain significance. Review status: criteria provided, multiple submitters, no conflicts (2 of 4 stars). 2 submissions from 2 submitters: Uncertain significance (2). Last evaluated 2024-12-04.

Conditions:
Thrombophilia due to thrombin defect (THPH1). Also called: Thrombosis susceptibility; THROMBOPHILIA DUE TO FACTOR 2 DEFECT; Prothrombin-Related Thrombophilia (Factor II); Prothrombin Thrombophilia. Identifiers: MedGen C3160733, MONDO:0008559, OMIM 188050. Disease mechanism: gain of function, loss of function.

Submissions (2):

Women's Health and Genetics/Laboratory Corporation of America, LabCorp
Classification: Uncertain significance. Last evaluated: 2024-12-04. Review status: criteria provided, single submitter. Criteria: LabCorp Variant Classification Summary - May 2015. Collection method: clinical testing. Allele origin: germline.
Comment: Variant summary: F13A1 c.1860_1861delinsCT (p.Ala621Ser) results in a conservative amino acid change in the encoded protein sequence. Four of five in-silico tools predict a benign effect of the variant on protein function. The variant was absent in 282780 control chromosomes (gnomAD). The available data on variant occurrences in the general population are insufficient to allow any conclusion about variant significance. To our knowledge, no occurrence of c.1860_1861delinsCT in individuals affected with Factor XIIIA Deficiency and no experimental evidence demonstrating its impact on protein function have been reported. ClinVar contains an entry for this variant (Variation ID: 2572140). Based on the evidence outlined above, the variant was classified as uncertain significance.

ISTH-SSC Genomics in Thrombosis and Hemostasis, KU Leuven, Center for Molecular and Vascular Biology
Classification: Uncertain significance for Thrombophilia due to thrombin defect. Review status: criteria provided, single submitter. Criteria: ACMG Guidelines, 2015. Collection method: clinical testing. Allele origin: germline. Affected: yes. Observed: 1 heterozygote.
Comment: Submitted to the GoldVariant database by Kathleen Freson, Center for Molecular and Vascular Biology